The following is an entry in ClinVar:

ClinVar aggregate classification (germline): Pathogenic/Likely pathogenic. Review status: criteria provided, multiple submitters, no conflicts (2 of 4 stars). 8 submissions from 8 submitters: Pathogenic (6); Likely pathogenic (1). 1 of the submissions does not count toward it. Last evaluated 2025-08-14.

Conditions:
Mismatch repair cancer syndrome 3. Identifiers: MedGen C5436807, MONDO:0030841, OMIM 619097.
Lynch syndrome 5 (LYNCH5). Also called: Hereditary non-polyposis colorectal cancer, type 5; Colorectal cancer, hereditary nonpolyposis, type 5. Identifiers: Orphanet 144, MedGen C1833477, MONDO:0013710, OMIM 614350. Disease mechanism: loss of function.
Endometrial carcinoma. Also called: Endometrial carcinoma, somatic. Identifiers: MedGen C0476089, MONDO:0002447, OMIM 608089, HP:0012114.
Hereditary nonpolyposis colon cancer (HNPCC). Also called: Hereditary Nonpolyposis Colorectal Cancer Syndrome; Hereditary nonpolyposis colorectal cancer; Familial nonpolyposis colon cancer. Identifiers: Orphanet 443909, MedGen C1333990, MONDO:0018630. Disease mechanism: loss of function.
Hereditary nonpolyposis colorectal neoplasms. Identifiers: MedGen C0009405, MeSH D003123.
Hereditary cancer-predisposing syndrome. Also called: Hereditary Cancer Syndrome; Hereditary neoplastic syndrome; Neoplastic Syndromes, Hereditary; Tumor predisposition. Identifiers: Orphanet 140162, MedGen C0027672, MeSH D009386, MONDO:0015356.

Submissions (8):

Labcorp Genetics (formerly Invitae), Labcorp
Classification: Pathogenic for Hereditary nonpolyposis colorectal neoplasms. Last evaluated: 2025-08-14. Review status: criteria provided, single submitter. Criteria: Invitae Variant Classification Sherloc (09022015). Collection method: clinical testing. Allele origin: germline.
Comment: This sequence change creates a premature translational stop signal (p.Leu1177Cysfs*9) in the MSH6 gene. It is expected to result in an absent or disrupted protein product. Loss-of-function variants in MSH6 are known to be pathogenic (PMID: 18269114, 24362816). This variant is not present in population databases (gnomAD no frequency). This premature translational stop signal has been observed in individual(s) with clinical features of MSH6-related conditions (PMID: 18269114, 20028993, 24362816). Invitae Evidence Modeling of clinical and family history, age, sex, and reported ancestry of multiple individuals with this MSH6 variant has been performed. This variant is expected to be pathogenic with a positive predictive value of at least 99%. This is a validated machine learning model that incorporates the clinical features of 1,627,235 individuals referred to our laboratory for MSH6 testing. ClinVar contains an entry for this variant (Variation ID: 218062). For these reasons, this variant has been classified as Pathogenic.

Ambry Genetics
Classification: Pathogenic for Hereditary cancer-predisposing syndrome. Last evaluated: 2024-07-23. Review status: criteria provided, single submitter. Criteria: Ambry Variant Classification Scheme 2023. Collection method: clinical testing. Allele origin: germline.
Comment: The c.3528_3532delACTTG pathogenic mutation, located in coding exon 6 of the MSH6 gene, results from a deletion of 5 nucleotides at nucleotide positions 3528 to 3532, causing a translational frameshift with a predicted alternate stop codon (p.L1177Cfs*9). This alteration has been seen in a family with HNPCC (Baglietto L et al. J. Natl. Cancer Inst. 2010 Feb;102(3):193-201). This variant is considered to be rare based on population cohorts in the Genome Aggregation Database (gnomAD). In addition to the information presented in the literature, this alteration is expected to result in loss of function by premature protein truncation or nonsense-mediated mRNA decay. As such, this alteration is interpreted as a disease-causing mutation.

Color Diagnostics, LLC DBA Color Health
Classification: Pathogenic for Hereditary cancer-predisposing syndrome. Last evaluated: 2024-02-26. Review status: criteria provided, single submitter. Criteria: ACMG Guidelines, 2015. Collection method: clinical testing. Allele origin: germline.
Comment: This variant deletes 5 nucleotides in exon 6 of the MSH6 gene, creating a frameshift and premature translation stop signal. This variant is expected to result in an absent or non-functional protein product. This variant has been reported in an individual with a microsatellite unstable Lynch syndrome-associated cancer (PMID: 20028993). This variant has not been identified in the general population by the Genome Aggregation Database (gnomAD). Loss of MSH6 function is a known mechanism of disease. Based on the available evidence, this variant is classified as Pathogenic.

Myriad Genetics, Inc.
Classification: Pathogenic for Lynch syndrome 5. Last evaluated: 2023-08-24. Review status: criteria provided, single submitter. Criteria: Myriad Autosomal Dominant, Autosomal Recessive and X-Linked Classification Criteria (2023). Collection method: clinical testing. Allele origin: unknown.
Comment: This variant is considered pathogenic. This variant creates a frameshift predicted to result in premature protein truncation.

GeneDx
Classification: Pathogenic. Last evaluated: 2021-06-22. Review status: criteria provided, single submitter. Criteria: GeneDx Variant Classification Process June 2021. Collection method: clinical testing. Allele origin: germline. Affected: yes.
Comment: Frameshift variant predicted to result in protein truncation or nonsense mediated decay in a gene for which loss-of-function is a known mechanism of disease; Not observed at significant frequency in large population cohorts (Lek 2016); Truncating variants in this gene are considered pathogenic by a well-established clinical consortium and/or database; Observed in families with Lynch syndrome (Baglietto 2010); This variant is associated with the following publications: (PMID: 22949379, 20028993, 27535533)

Department of Pathology and Laboratory Medicine, Sinai Health System
Classification: Pathogenic for Endometrial carcinoma; Mismatch repair cancer syndrome 3; Lynch syndrome 5. Last evaluated: 2021-06-02. Review status: criteria provided, single submitter. Criteria: ACMG Guidelines, 2015. Collection method: clinical testing. Allele origin: germline. Affected: yes.

Women's Health and Genetics/Laboratory Corporation of America, LabCorp
Classification: Likely pathogenic for Hereditary nonpolyposis colon cancer. Last evaluated: 2020-09-04. Review status: criteria provided, single submitter. Criteria: LabCorp Variant Classification Summary - May 2015. Collection method: clinical testing. Allele origin: germline.
Comment: Variant summary: MSH6 c.3528_3532delACTTG (p.Leu1177CysfsX9) results in a premature termination codon, predicted to cause a truncation of the encoded protein or absence of the protein due to nonsense mediated decay, which are commonly known mechanisms for disease. Truncations downstream of this position have been classified as pathogenic by our laboratory. The variant was absent in 251266 control chromosomes. The variant, c.3528_3532delACTTG, has been reported in the literature in at least one individual in a study of MSH6 mutation carriers (Baglietto_2010). To our knowledge, no experimental evidence demonstrating an impact on protein function has been reported. Three clinical diagnostic laboratories have submitted clinical-significance assessments for this variant to ClinVar after 2014 without evidence for independent evaluation. All laboratories classified the variant as pathogenic. Based on the evidence outlined above, the variant was classified as likely pathogenic.

Mayo Clinic Laboratories, Mayo Clinic
Classification: Likely pathogenic. Review status: no assertion criteria provided. Collection method: research. Allele origin: unknown. Observed: 1 variant allele. Not counted in ClinVar's aggregate classification.

Literature cited by the submitters: PubMed 18269114 (cited by Labcorp Genetics (formerly Invitae), Labcorp); PubMed 24362816 (cited by Labcorp Genetics (formerly Invitae), Labcorp); PubMed 20028993 (cited by 5 submitters).

NM_000179.3(MSH6):c.3528_3532del (p.Leu1177fs)

Gene: MSH6 (mutS homolog 6; plus strand). Cytogenetic location: 2p16.3.
Variant type: Deletion.
Coding change: c.3528_3532del on transcript NM_000179.3 (MANE Select); coding-DNA positions 3528 to 3532, 5 bases deleted (ACTTG; older notation c.3528_3532delACTTG).
Protein change: p.Leu1177fs; shifts the reading frame from leucine 1177.
Molecular consequence: frameshift variant.
Genome position (GRCh38, 1-based): chr2:47,804,999-47,805,003, ACTTG deleted; deleting any 5 consecutive bases within chr2:47,804,998-47,805,003 gives the same sequence; the c. name uses the placement nearest the transcript's 3' end. VCF-style (leftmost placement, unchanged base first): chr2-47804997-AGACTT-A. GRCh37 (hg19) VCF-style: chr2-48032136-AGACTT-A.
Other names: c.3138_3142del, p.Leu1047fs (NM_001281492.2); c.2622_2626del, p.Leu875fs (NM_001281493.2, NM_001281494.2); c.3528_3532delACTTG (NM_000179.2); short protein forms L1177fs, L1047fs, L875fs.
Identifiers: ClinVar variation 218062 (VCV000218062.24), dbSNP rs863225408, ClinGen allele CA279747.
Genomic context (GRCh38, chr2:47,804,997, plus strand): 5'-ATGGGTTGTTACGTCCCTGCTGAAGTGTGCAGGCTCACACCAATTGATAGAGTGTTTACT[AGACTT>A]GGTGCCTCAGACAGAATAATGTCAGGTGAGTTTTTTGTTTCCCACTTAAGTTCTCATTCA-3'